The following is an entry in ClinVar:

NM_001010867.4(IBA57):c.706C>G (p.Pro236Ala)

Gene: IBA57 (iron-sulfur cluster assembly factor IBA57; plus strand). Cytogenetic location: 1q42.13.
Variant type: single nucleotide variant.
Coding change: c.706C>G on transcript NM_001010867.4 (MANE Select); coding-DNA position 706, C replaced by G.
Protein change: p.Pro236Ala; replaces proline 236 with alanine.
Molecular consequence: missense variant.
Genome position (GRCh38, 1-based): chr1:228,175,148, C>G. VCF-style: chr1-228175148-C-G. GRCh37 (hg19) VCF-style: chr1-228362849-C-G.
Other names: p.Pro236Ala; c.127C>G, p.Pro43Ala (NM_001310327.2); short protein forms P236A, P43A.
Identifiers: ClinVar variation 521723 (VCV000521723.17), dbSNP rs769063859, ClinGen allele CA1431235.

ClinVar aggregate classification (germline): Uncertain significance. Review status: criteria provided, multiple submitters, no conflicts (2 of 4 stars). 5 submissions from 5 submitters: Uncertain significance (5). Last evaluated 2025-09-22.

Conditions:
Inborn genetic diseases. Identifiers: MedGen C0950123, MeSH D030342.
Multiple mitochondrial dysfunctions syndrome 3 (MMDS3). Identifiers: Orphanet 363424, MedGen C3809165, MONDO:0014132, OMIM 615330.
Hereditary spastic paraplegia 74. Also called: Spastic paraplegia 74, autosomal recessive. Identifiers: Orphanet 468661, MedGen C5568837, MONDO:0014644, OMIM 616451.

Allele frequency attached by ClinVar (database versions not stated): gnomAD exomes 0.00006 and 0.00002; TOPMed below 0.00001; ExAC 0.00001; gnomAD 0.00001.
gnomAD v4.1: 16 of 1,612,606 alleles (0.00099%); highest among the groups gnomAD compares: Admixed American, 0.027%; no homozygotes.

Submissions (5):

Mayo Clinic Laboratories, Mayo Clinic
Classification: Uncertain significance. Last evaluated: 2025-09-22. Review status: criteria provided, single submitter. Criteria: ACMG Guidelines, 2015. Collection method: clinical testing. Allele origin: germline. Observed: 1 variant allele.
Comment: PM2_supporting

3billion
Classification: Uncertain significance for Multiple mitochondrial dysfunctions syndrome 3. Last evaluated: 2025-05-20. Review status: criteria provided, single submitter. Criteria: ACMG Guidelines, 2015. Collection method: clinical testing. Allele origin: germline. Affected: yes.
Comment: The variant is observed at an extremely low frequency in the gnomAD v4.1.0 dataset (total allele frequency: <0.001%). Predicted Consequence/Location: Missense variant A different missense change at the same codon (p.Pro236Ser) has been reported to be associated with IBA57-related disorder (ClinVar ID: VCV000545648 /PMID: 27785568). Therefore, this variant is classified as VUS according to the recommendation of ACMG/AMP guideline.

Labcorp Genetics (formerly Invitae), Labcorp
Classification: Uncertain significance for Multiple mitochondrial dysfunctions syndrome 3; Hereditary spastic paraplegia 74. Last evaluated: 2024-12-09. Review status: criteria provided, single submitter. Criteria: Invitae Variant Classification Sherloc (09022015). Collection method: clinical testing. Allele origin: germline.
Comment: This sequence change replaces proline, which is neutral and non-polar, with alanine, which is neutral and non-polar, at codon 236 of the IBA57 protein (p.Pro236Ala). This variant is present in population databases (rs769063859, gnomAD 0.04%). This missense change has been observed in individual(s) with clinical features of multiple mitochondrial dysfunctions syndrome (internal data). ClinVar contains an entry for this variant (Variation ID: 521723). Invitae Evidence Modeling of protein sequence and biophysical properties (such as structural, functional, and spatial information, amino acid conservation, physicochemical variation, residue mobility, and thermodynamic stability) has been performed for this missense variant. However, the output from this modeling did not meet the statistical confidence thresholds required to predict the impact of this variant on IBA57 protein function. This variant disrupts the p.Pro236 amino acid residue in IBA57. Other variant(s) that disrupt this residue have been observed in individuals with IBA57-related conditions (PMID: 27785568, 29353736), which suggests that this may be a clinically significant amino acid residue. In summary, the available evidence is currently insufficient to determine the role of this variant in disease. Therefore, it has been classified as a Variant of Uncertain Significance.

GeneDx
Classification: Uncertain significance. Last evaluated: 2023-10-12. Review status: criteria provided, single submitter. Criteria: GeneDx Variant Classification Process June 2021. Collection method: clinical testing. Allele origin: germline. Affected: yes.
Comment: In silico analysis supports that this missense variant has a deleterious effect on protein structure/function; Has not been previously published as pathogenic or benign to our knowledge; This variant is associated with the following publications: (PMID: 27785568)

Ambry Genetics
Classification: Uncertain significance for Inborn genetic diseases. Last evaluated: 2017-08-17. Review status: criteria provided, single submitter. Criteria: Ambry exome assertion method (8-5-2015). Collection method: clinical testing. Allele origin: germline. Affected: yes. Observed: 1 variant allele.

Literature cited by the submitters: PubMed 27785568 (cited by 3 submitters); PubMed 29353736 (cited by Labcorp Genetics (formerly Invitae), Labcorp).